The following is an entry in ClinVar:

ClinVar aggregate classification (germline): Uncertain significance. Review status: criteria provided, multiple submitters, no conflicts (2 of 4 stars). 3 submissions from 3 submitters: Uncertain significance (3). Last evaluated 2026-01-23.

Conditions:
Neuroblastoma, susceptibility to, 3. Also called: ALK-Related Neuroblastic Tumor Susceptibility. Identifiers: Orphanet 635, MedGen C2751681, MONDO:0013083, OMIM 613014.
Hereditary cancer-predisposing syndrome. Also called: Hereditary neoplastic syndrome; Neoplastic Syndromes, Hereditary; Tumor predisposition; Hereditary Cancer Syndrome. Identifiers: Orphanet 140162, MedGen C0027672, MeSH D009386, MONDO:0015356.

Allele frequency attached by ClinVar (database versions not stated): ExAC 0.00001; gnomAD exomes 0.00001; gnomAD 0.00003; TOPMed 0.00005.
gnomAD v4.1: 14 of 1,614,070 alleles (0.00087%); highest among the groups gnomAD compares: East Asian, 0.0089%; no homozygotes.

Submissions (3):

Labcorp Genetics (formerly Invitae), Labcorp
Classification: Uncertain significance for Neuroblastoma, susceptibility to, 3. Last evaluated: 2026-01-23. Review status: criteria provided, single submitter. Criteria: Invitae Variant Classification Sherloc (09022015). Collection method: clinical testing. Allele origin: germline.
Comment: This sequence change replaces glycine, which is neutral and non-polar, with serine, which is neutral and polar, at codon 1508 of the ALK protein (p.Gly1508Ser). This variant is present in population databases (rs764315254, gnomAD 0.01%). This variant has not been reported in the literature in individuals affected with ALK-related conditions. ClinVar contains an entry for this variant (Variation ID: 470876). An algorithm developed to predict the effect of missense changes on protein structure and function (PolyPhen-2) suggests that this variant is likely to be disruptive. In summary, the available evidence is currently insufficient to determine the role of this variant in disease. Therefore, it has been classified as a Variant of Uncertain Significance.

Ambry Genetics
Classification: Uncertain significance for Hereditary cancer-predisposing syndrome. Last evaluated: 2024-12-18. Review status: criteria provided, single submitter. Criteria: Ambry Variant Classification Scheme 2023. Collection method: clinical testing. Allele origin: germline.
Comment: The p.G1508S variant (also known as c.4522G>A), located in coding exon 29 of the ALK gene, results from a G to A substitution at nucleotide position 4522. The glycine at codon 1508 is replaced by serine, an amino acid with similar properties. This amino acid position is highly conserved in available vertebrate species. In addition, the in silico prediction for this alteration is inconclusive. Based on the available evidence, the clinical significance of this variant remains unclear.

Sema4
Classification: Uncertain significance for Hereditary cancer-predisposing syndrome. Last evaluated: 2021-10-24. Review status: criteria provided, single submitter. Criteria: Sema4 Curation Guidelines. Collection method: curation. Allele origin: germline.
Comment: The ALK c.4522G>A (p.G1508S) variant has not been reported in the literature to our knowledge. It was observed in 3/24968 chromosomes of the African/African American subpopulation in the large and broad cohorts of the Genome Aggregation Database (PMID: 32461654). This variant has been reported in ClinVar (Variation ID 470876). Functional studies have not been performed, and in silico predictions of the variant's effect on protein function are inconclusive. The evidence is insufficient to meet ACMG/AMP criteria for classifying the variant as benign or pathogenic. Thus, the clinical significance of this variant is currently uncertain.

NM_004304.5(ALK):c.4522G>A (p.Gly1508Ser)

Gene: ALK (ALK receptor tyrosine kinase; minus strand). Cytogenetic location: 2p23.2.
Variant type: single nucleotide variant.
Coding change: c.4522G>A on transcript NM_004304.5 (MANE Select); coding-DNA position 4522, G replaced by A.
Protein change: p.Gly1508Ser; replaces glycine 1508 with serine.
Molecular consequence: missense variant.
Genome position (GRCh38, 1-based): chr2:29,193,565, C>T on the plus strand (G>A on the coding strand, the complement: ALK is on the minus strand). VCF-style: chr2-29193565-C-T. GRCh37 (hg19) VCF-style: chr2-29416431-C-T.
Other names: c.1318G>A, p.Gly440Ser (NM_001353765.2); short protein forms G1508S, G440S.
Identifiers: ClinVar variation 470876 (VCV000470876.11), dbSNP rs764315254, ClinGen allele CA1593550.